The following is an entry in ClinVar:

ClinVar aggregate classification (germline): Uncertain significance (1 of 4 stars; one submission).

Submission:

GeneDx
Classification: Uncertain significance. Last evaluated: 2021-06-04. Review status: criteria provided, single submitter. Criteria: GeneDx Variant Classification Process June 2021. Collection method: clinical testing. Allele origin: germline. Affected: yes.
Comment: Has not been previously published as pathogenic or benign to our knowledge; Not observed at significant frequency in large population cohorts (Lek et al., 2016); In silico analysis supports that this missense variant does not alter protein structure/function; This variant is associated with the following publications: (PMID: 27535533)

NM_130839.5(UBE3A):c.248A>G (p.His83Arg)

Genes: SNHG14 (small nucleolar RNA host gene 14; plus strand), UBE3A (ubiquitin protein ligase E3A; minus strand). Cytogenetic location: 15q11.2.
Variant type: single nucleotide variant.
Coding change: c.248A>G on transcript NM_130839.5 (MANE Select); coding-DNA position 248, A replaced by G.
Protein change: p.His83Arg; replaces histidine 83 with arginine.
Molecular consequence: missense variant. On other transcripts: non-coding transcript variant (1).
Genome position (GRCh38, 1-based): chr15:25,375,578, T>C on the plus strand (A>G on the coding strand, the complement: UBE3A is on the minus strand). VCF-style: chr15-25375578-T-C. GRCh37 (hg19) VCF-style: chr15-25620725-T-C.
Other names: c.248A>G, p.His83Arg (NM_001354505.1, NM_001354538.2, NM_001354545.2 and 1 more transcripts); c.188A>G, p.His63Arg (NM_001354506.2, NM_001354507.2, NM_001354508.2 and 18 more transcripts); c.257A>G, p.His86Arg (NM_000462.5); c.71A>G, p.His24Arg (NM_001354546.2); short protein forms H24R, H63R, H83R, H86R.
Identifiers: ClinVar variation 1327396 (VCV001327396.2), dbSNP rs2152848042, ClinGen allele CA391356298.